The following is an entry in ClinVar:

ClinVar aggregate classification (germline): Uncertain significance. Review status: criteria provided, multiple submitters, no conflicts (2 of 4 stars). 2 submissions from 2 submitters: Uncertain significance (2). Last evaluated 2023-08-17.

Submissions (2):

Labcorp Genetics (formerly Invitae), Labcorp
Classification: Uncertain significance. Last evaluated: 2023-08-17. Review status: criteria provided, single submitter. Criteria: Invitae Variant Classification Sherloc (09022015). Collection method: clinical testing. Allele origin: germline.
Comment: This sequence change replaces threonine, which is neutral and polar, with arginine, which is basic and polar, at codon 544 of the MAGEL2 protein (p.Thr544Arg). This variant is not present in population databases (gnomAD no frequency). This variant has not been reported in the literature in individuals affected with MAGEL2-related conditions. ClinVar contains an entry for this variant (Variation ID: 1309009). Advanced modeling of protein sequence and biophysical properties (such as structural, functional, and spatial information, amino acid conservation, physicochemical variation, residue mobility, and thermodynamic stability) performed at Invitae indicates that this missense variant is not expected to disrupt MAGEL2 protein function. In summary, the available evidence is currently insufficient to determine the role of this variant in disease. Therefore, it has been classified as a Variant of Uncertain Significance.

GeneDx
Classification: Uncertain significance. Last evaluated: 2020-12-30. Review status: criteria provided, single submitter. Criteria: GeneDx Variant Classification Process June 2021. Collection method: clinical testing. Allele origin: germline. Affected: yes.
Comment: Not observed in large population cohorts (Lek et al., 2016); In silico analysis, which includes protein predictors and evolutionary conservation, supports that this variant does not alter protein structure/function; Has not been previously published as pathogenic or benign to our knowledge

NM_019066.5(MAGEL2):c.1631C>G (p.Thr544Arg)

Gene: MAGEL2 (MAGE family member L2; minus strand). Cytogenetic location: 15q11.2.
Variant type: single nucleotide variant.
Coding change: c.1631C>G on transcript NM_019066.5 (MANE Select); coding-DNA position 1631, C replaced by G.
Protein change: p.Thr544Arg; replaces threonine 544 with arginine.
Molecular consequence: missense variant.
Genome position (GRCh38, 1-based): chr15:23,646,112, G>C on the plus strand (C>G on the coding strand, the complement: MAGEL2 is on the minus strand). VCF-style: chr15-23646112-G-C. GRCh37 (hg19) VCF-style: chr15-23891259-G-C.
Other names: short protein forms T544R.
Identifiers: ClinVar variation 1309009 (VCV001309009.5), dbSNP rs896510447, ClinGen allele CA391333644.